The following is an entry in ClinVar:

ClinVar aggregate classification (germline): Conflicting classifications of pathogenicity. Review status: criteria provided, conflicting classifications (1 of 4 stars). 8 submissions from 8 submitters: Uncertain significance (1); Benign (1); Likely benign (6). Last evaluated 2026-01-28.

Conditions:
Inborn genetic diseases. Identifiers: MedGen C0950123, MeSH D030342.
Congenital myasthenic syndrome 10. Also called: Myasthenia, limb-girdle, familial. Identifiers: Orphanet 590, MedGen C1850792, MONDO:0009690, OMIM 254300.
Fetal akinesia deformation sequence 3. Identifiers: MedGen C4760599, MONDO:0100103, OMIM 618389.
Fetal akinesia deformation sequence 1 (FADS1). Also called: Pena-Shokeir syndrome type I; Fetal akinesia sequence. Identifiers: Orphanet 994, MedGen C1276035, MONDO:0100101, OMIM 208150, HP:0001989.
DOK7-related disorder. Also called: DOK7-related condition.

Allele frequency attached by ClinVar (database versions not stated): TOPMed 0.00042; gnomAD exomes 0.00117; 1000 Genomes Project 0.00140; 1000 Genomes Project 30x 0.00141; ExAC 0.00147.
gnomAD v4.1: 1,072 of 1,611,192 alleles (0.067%); highest among the groups gnomAD compares: Middle Eastern, 0.48%; 7 homozygotes.

Submissions (8):

Labcorp Genetics (formerly Invitae), Labcorp
Classification: Likely benign for Congenital myasthenic syndrome 10; Fetal akinesia deformation sequence 1. Last evaluated: 2026-01-28. Review status: criteria provided, single submitter. Criteria: Invitae Variant Classification Sherloc (09022015). Collection method: clinical testing. Allele origin: germline.

PreventionGenetics, part of Exact Sciences
Classification: Likely benign for DOK7-related condition. Last evaluated: 2024-10-28. Review status: criteria provided, single submitter. Criteria: ACMG Guidelines, 2015. Collection method: clinical testing. Allele origin: germline.
Comment: This variant is classified as likely benign based on ACMG/AMP sequence variant interpretation guidelines (Richards et al. 2015 PMID: 25741868, with internal and published modifications).

CeGaT Center for Human Genetics Tuebingen
Classification: Likely benign. Last evaluated: 2024-08-01. Review status: criteria provided, single submitter. Criteria: CeGaT Center For Human Genetics Tuebingen Variant Classification Criteria Version 2. Collection method: clinical testing. Allele origin: germline. Affected: yes. Observed: 4 variant alleles.
Comment: DOK7: BP4, BS2

Ambry Genetics
Classification: Uncertain significance for Inborn genetic diseases. Last evaluated: 2021-08-12. Review status: criteria provided, single submitter. Criteria: Ambry Variant Classification Scheme 2023. Collection method: clinical testing. Allele origin: germline.

Department of Pathology and Laboratory Medicine, Sinai Health System
Classification: Benign for congenital myasthenic syndrome 10. Last evaluated: 2021-07-30. Review status: criteria provided, single submitter. Criteria: ACMG Guidelines, 2015. Collection method: research. Allele origin: germline.

Fulgent Genetics
Classification: Likely benign for Congenital myasthenic syndrome 10; Fetal akinesia deformation sequence 3. Last evaluated: 2021-07-27. Review status: criteria provided, single submitter. Criteria: ACMG Guidelines, 2015. Collection method: clinical testing. Allele origin: unknown.

GeneDx
Classification: Likely benign. Last evaluated: 2018-09-11. Review status: criteria provided, single submitter. Criteria: GeneDx Variant Classification Process June 2021. Collection method: clinical testing. Allele origin: germline. Affected: yes.
Comment: This variant is associated with the following publications: (PMID: 22661499)

Breakthrough Genomics
Classification: Likely benign. Review status: criteria provided, single submitter. Criteria: ACMG Guidelines, 2015. Collection method: not provided. Allele origin: germline. Inheritance: Autosomal recessive inheritance. Affected: yes.

NM_173660.5(DOK7):c.1507C>A (p.Pro503Thr)

Gene: DOK7 (docking protein 7; plus strand). Cytogenetic location: 4p16.3.
Variant type: single nucleotide variant.
Coding change: c.1507C>A on transcript NM_173660.5 (MANE Select); coding-DNA position 1507, C replaced by A.
Protein change: p.Pro503Thr; replaces proline 503 with threonine.
Molecular consequence: missense variant. On other transcripts: 3 prime UTR variant (1), intron variant (2).
Genome position (GRCh38, 1-based): chr4:3,493,493, C>A. VCF-style: chr4-3493493-C-A. GRCh37 (hg19) VCF-style: chr4-3495220-C-A.
Other names: c.*728C>A (NM_001164673.2); c.577C>A, p.Pro193Thr (NM_001256896.2); c.1497+10C>A (NM_001301071.2); c.1065+10C>A (NM_001363811.2); short protein forms P503T, P193T.
Identifiers: ClinVar variation 465680 (VCV000465680.64), dbSNP rs184556570, ClinGen allele CA2829557.